The following is an entry in ClinVar:

NM_016122.3(CEP83):c.611C>G (p.Thr204Arg)

Gene: CEP83 (centrosomal protein 83; minus strand). Cytogenetic location: 12q22.
Variant type: single nucleotide variant.
Coding change: c.611C>G on transcript NM_016122.3 (MANE Select); coding-DNA position 611, C replaced by G.
Protein change: p.Thr204Arg; replaces threonine 204 with arginine.
Molecular consequence: missense variant. On other transcripts: non-coding transcript variant (3).
Genome position (GRCh38, 1-based): chr12:94,378,981, G>C on the plus strand (C>G on the coding strand, the complement: CEP83 is on the minus strand). VCF-style: chr12-94378981-G-C. GRCh37 (hg19) VCF-style: chr12-94772757-G-C.
Other names: c.611C>G, p.Thr204Arg (NM_001042399.2, NM_001346457.2, NM_001346460.2 and 3 more transcripts); c.299C>G, p.Thr100Arg (NM_001346458.2, NM_001346459.2, NM_001346462.2 and 2 more transcripts); c.386C>G, p.Thr129Arg (NM_001368041.1); c.74C>G, p.Thr25Arg (NM_001368042.1); short protein forms T204R, T100R, T129R, T25R.
Identifiers: ClinVar variation 1505054 (VCV001505054.6), dbSNP rs749493316, ClinGen allele CA6721881.
Genomic context (GRCh38, chr12:94,378,981, plus strand): 5'-AATTTTTGACACAAATAGACTTTTTCTCGAGCAAGTTGTTCCACTCGTTTGCTGTCTTTT[G>C]TGAGATCAACATTAAGCAGCTGGTTACGTAGTTCTTCTTTATCTTCCTCCAGTCTTGCAA-3'
Protein context (NP_057206.2, residues 194-214): LRNQLLNVDL[Thr204Arg]KDSKRVEQLA

ClinVar aggregate classification (germline): Uncertain significance (1 of 4 stars; one submission).

Conditions:
Nephronophthisis 18 (NPHP18). Identifiers: Orphanet 655, MedGen C3890591, MONDO:0014374, OMIM 615862.

Allele frequency attached by ClinVar (database versions not stated): gnomAD exomes below 0.00001 and 0.00002; TOPMed below 0.00001; ExAC 0.00002.
gnomAD v4.1: 4 of 1,613,700 alleles (0.00025%); highest among the groups gnomAD compares: Admixed American, 0.0067%; no homozygotes.

Submission:

Labcorp Genetics (formerly Invitae), Labcorp
Classification: Uncertain significance for Nephronophthisis 18. Last evaluated: 2024-10-16. Review status: criteria provided, single submitter. Criteria: Invitae Variant Classification Sherloc (09022015). Collection method: clinical testing. Allele origin: germline.
Comment: This sequence change replaces threonine, which is neutral and polar, with arginine, which is basic and polar, at codon 204 of the CEP83 protein (p.Thr204Arg). This variant is present in population databases (rs749493316, gnomAD 0.01%). This variant has not been reported in the literature in individuals affected with CEP83-related conditions. ClinVar contains an entry for this variant (Variation ID: 1505054). Invitae Evidence Modeling of protein sequence and biophysical properties (such as structural, functional, and spatial information, amino acid conservation, physicochemical variation, residue mobility, and thermodynamic stability) indicates that this missense variant is not expected to disrupt CEP83 protein function with a negative predictive value of 80%. In summary, the available evidence is currently insufficient to determine the role of this variant in disease. Therefore, it has been classified as a Variant of Uncertain Significance.